The following is an entry in ClinVar:

NM_001903.5(CTNNA1):c.2402A>G (p.Gln801Arg)

Gene: CTNNA1 (catenin alpha 1; plus strand). Cytogenetic location: 5q31.2.
Variant type: single nucleotide variant.
Coding change: c.2402A>G on transcript NM_001903.5 (MANE Select); coding-DNA position 2402, A replaced by G.
Protein change: p.Gln801Arg; replaces glutamine 801 with arginine.
Molecular consequence: missense variant. On other transcripts: intron variant (1).
Genome position (GRCh38, 1-based): chr5:138,932,681, A>G. VCF-style: chr5-138932681-A-G. GRCh37 (hg19) VCF-style: chr5-138268370-A-G.
Other names: c.2402A>G, p.Gln801Arg (NM_001290307.3, NM_001323982.2, NM_001323983.1 and 2 more transcripts); c.2093A>G, p.Gln698Arg (NM_001290309.3); c.1292A>G, p.Gln431Arg (NM_001323990.1, NM_001323991.1, NM_001323992.1 and 16 more transcripts); c.953A>G, p.Gln318Arg (NM_001324010.1, NM_001324006.1, NM_001324007.1 and 2 more transcripts); c.1199A>G, p.Gln400Arg (NM_001324011.1); c.1049A>G, p.Gln350Arg (NM_001324012.1, NM_001324013.1); c.1189-1121A>G (NM_001324001.1); c.2033A>G, p.Gln678Arg (NM_001290310.3); and 1 more; short protein forms Q318R, Q678R, Q350R, Q431R, Q400R, Q770R, Q698R, Q801R.
Identifiers: ClinVar variation 2817849 (VCV002817849.3), dbSNP rs2533914410, ClinGen allele CA361134507.
Genomic context (GRCh38, chr5:138,932,681, plus strand): 5'-AACGCATCGCCCTCTACTGCCACCAGCTGAACATCTGCAGCAAGGTCAAGGCCGAGGTGC[A>G]GAATCTCGGCGGGGAGCTTGTTGTCTCTGGGGTAAGCATTAGCTGAACAAAAAGAGGGCC-3'
Protein context (NP_001894.2, residues 791-811): NICSKVKAEV[Gln801Arg]NLGGELVVSG

ClinVar aggregate classification (germline): Uncertain significance (1 of 4 stars; one submission).

Submission:

Labcorp Genetics (formerly Invitae), Labcorp
Classification: Uncertain significance. Last evaluated: 2025-08-07. Review status: criteria provided, single submitter. Criteria: Invitae Variant Classification Sherloc (09022015). Collection method: clinical testing. Allele origin: germline.
Comment: This sequence change replaces glutamine, which is neutral and polar, with arginine, which is basic and polar, at codon 801 of the CTNNA1 protein (p.Gln801Arg). This variant is not present in population databases (gnomAD no frequency). This variant has not been reported in the literature in individuals affected with CTNNA1-related conditions. ClinVar contains an entry for this variant (Variation ID: 2817849). An algorithm developed to predict the effect of missense changes on protein structure and function (PolyPhen-2) suggests that this variant is likely to be disruptive. RNA analysis performed to evaluate the impact of this missense change on mRNA splicing indicates it does not significantly alter splicing (internal data). In summary, the available evidence is currently insufficient to determine the role of this variant in disease. Therefore, it has been classified as a Variant of Uncertain Significance.